The following is an entry in ClinVar:

ClinVar aggregate classification (germline): Likely benign (1 of 4 stars; one submission).

Conditions:
KIF12-related disorder. Also called: KIF12-related condition.

gnomAD v4.1: 2 of 1,604,666 alleles (0.00012%); highest among the groups gnomAD compares: South Asian, 0.0011%; no homozygotes.

Submission:

PreventionGenetics, part of Exact Sciences
Classification: Likely benign for KIF12-related condition. Last evaluated: 2026-05-15. Review status: criteria provided, single submitter. Criteria: ACMG Guidelines, 2015. Collection method: clinical testing. Allele origin: germline.
Comment: This variant is classified as likely benign based on ACMG/AMP sequence variant interpretation guidelines (Richards et al. 2015 PMID: 25741868, with internal and published modifications).

NM_001388308.1(KIF12):c.1015-9A>G

Gene: KIF12 (kinesin family member 12; minus strand). Cytogenetic location: 9q32.
Variant type: single nucleotide variant.
Coding change: c.1015-9A>G on transcript NM_001388308.1 (MANE Select); 9 bases into the intron before coding-DNA position 1015, A replaced by G.
Molecular consequence: intron variant.
Genome position (GRCh38, 1-based): chr9:114,095,136, T>C on the plus strand (A>G on the coding strand, the complement: KIF12 is on the minus strand). VCF-style: chr9-114095136-T-C. GRCh37 (hg19) VCF-style: chr9-116857416-T-C.
Other names: c.601-9A>G (NM_138424.2).
Identifiers: ClinVar variation 4984578 (VCV004984578.1).